The following is an entry in ClinVar:

NM_000069.3(CACNA1S):c.2289G>A (p.Glu763=)

Gene: CACNA1S (calcium voltage-gated channel subunit alpha1 S; minus strand). Cytogenetic location: 1q32.1.
Variant type: single nucleotide variant.
Coding change: c.2289G>A on transcript NM_000069.3 (MANE Select); coding-DNA position 2289, G replaced by A.
Protein change: p.Glu763=; no amino-acid change (glutamic acid 763 retained).
Molecular consequence: synonymous variant.
Genome position (GRCh38, 1-based): chr1:201,070,343, C>T on the plus strand (G>A on the coding strand, the complement: CACNA1S is on the minus strand). VCF-style: chr1-201070343-C-T. GRCh37 (hg19) VCF-style: chr1-201039471-C-T.
Identifiers: ClinVar variation 512789 (VCV000512789.6), dbSNP rs1427158400, ClinGen allele CA422688064.

ClinVar aggregate classification (germline): Likely benign. Review status: criteria provided, multiple submitters, no conflicts (2 of 4 stars). 4 submissions from 4 submitters: Likely benign (4). Last evaluated 2024-03-14.

Conditions:
Hypokalemic periodic paralysis, type 1. Also called: HypoPP; Hypokalemic Periodic Paralysis Type 1 (AD). Identifiers: Orphanet 681, MedGen C3714580, MONDO:0042979, OMIM 170400.
Malignant hyperthermia, susceptibility to, 5 (MHS5). Also called: CACNA1S-Related Malignant Hyperthermia Susceptibility. Identifiers: Orphanet 423, MedGen C1866077, MONDO:0011163, OMIM 601887.

Allele frequency attached by ClinVar (database versions not stated): gnomAD 0.00001; TOPMed 0.00001; gnomAD exomes 0.00002.
gnomAD v4.1: 38 of 1,614,000 alleles (0.0024%); highest among the groups gnomAD compares: Middle Eastern, 0.016%; no homozygotes.

Submissions (4):

Labcorp Genetics (formerly Invitae), Labcorp
Classification: Likely benign for Hypokalemic periodic paralysis, type 1; Malignant hyperthermia, susceptibility to, 5. Last evaluated: 2024-03-14. Review status: criteria provided, single submitter. Criteria: Invitae Variant Classification Sherloc (09022015). Collection method: clinical testing. Allele origin: germline.

All of Us Research Program, National Institutes of Health
Classification: Likely benign for Malignant hyperthermia, susceptibility to, 5. Last evaluated: 2024-01-11. Review status: criteria provided, single submitter. Criteria: ACMG Guidelines, 2015. Collection method: clinical testing. Allele origin: germline. Inheritance: Autosomal dominant inheritance. Observed: 5 variant alleles, 5 heterozygotes.
Comment: This study involves interpretation of variants in research participants for the purpose of population health screening. Participant phenotype was not available at the time of variant classification. Additional details can be found in publication PMID: 35346344, PMCID: PMC8962531

Color Diagnostics, LLC DBA Color Health
Classification: Likely benign for Malignant hyperthermia, susceptibility to, 5. Last evaluated: 2023-02-01. Review status: criteria provided, single submitter. Criteria: ACMG Guidelines, 2015. Collection method: clinical testing. Allele origin: germline.

GeneDx
Classification: Likely benign. Last evaluated: 2017-10-24. Review status: criteria provided, single submitter. Criteria: GeneDx Variant Classification (06012015). Collection method: clinical testing. Allele origin: germline. Affected: yes.
Comment: This variant is considered likely benign or benign based on one or more of the following criteria: it is a conservative change, it occurs at a poorly conserved position in the protein, it is predicted to be benign by multiple in silico algorithms, and/or has population frequency not consistent with disease.